The following is an entry in ClinVar:

ClinVar aggregate classification (germline): Likely benign. Review status: criteria provided, multiple submitters, no conflicts (2 of 4 stars). 3 submissions from 3 submitters: Likely benign (3). Last evaluated 2026-01-04.

Conditions:
Nemaline myopathy 10 (NEM10). Identifiers: MedGen C4015360, MONDO:0014513, OMIM 616165.

Allele frequency attached by ClinVar (database versions not stated): gnomAD 0.00007; ESP Exome Variant Server 0.00008; TOPMed 0.00010.
gnomAD v4.1: 379 of 1,608,980 alleles (0.024%); highest among the groups gnomAD compares: Non-Finnish European, 0.03%; no homozygotes.

Submissions (3):

Labcorp Genetics (formerly Invitae), Labcorp
Classification: Likely benign for Nemaline myopathy 10. Last evaluated: 2026-01-04. Review status: criteria provided, single submitter. Criteria: Invitae Variant Classification Sherloc (09022015). Collection method: clinical testing. Allele origin: germline.

CeGaT Center for Human Genetics Tuebingen
Classification: Likely benign. Last evaluated: 2025-06-01. Review status: criteria provided, single submitter. Criteria: CeGaT Center For Human Genetics Tuebingen Variant Classification Criteria Version 2. Collection method: clinical testing. Allele origin: germline. Affected: yes. Observed: 1 variant allele.
Comment: LMOD3: BP4, BP7

Blueprint Genetics
Classification: Likely benign. Last evaluated: 2024-02-08. Review status: criteria provided, single submitter. Criteria: ACMG Guidelines, 2015. Collection method: clinical testing. Allele origin: germline.

NM_198271.5(LMOD3):c.1518C>A (p.Pro506=)

Gene: LMOD3 (leiomodin 3; minus strand). Cytogenetic location: 3p14.1.
Variant type: single nucleotide variant.
Coding change: c.1518C>A on transcript NM_198271.5 (MANE Select); coding-DNA position 1518, C replaced by A.
Protein change: p.Pro506=; no amino-acid change (proline 506 retained).
Molecular consequence: synonymous variant.
Genome position (GRCh38, 1-based): chr3:69,118,837, G>T on the plus strand (C>A on the coding strand, the complement: LMOD3 is on the minus strand). VCF-style: chr3-69118837-G-T. GRCh37 (hg19) VCF-style: chr3-69167988-G-T.
Other names: c.1518C>A, p.Pro506= (NM_001304418.3).
Identifiers: ClinVar variation 542088 (VCV000542088.21), dbSNP rs377380955, ClinGen allele CA2488751.